The following is an entry in ClinVar:

ClinVar aggregate classification (germline): Uncertain significance (1 of 4 stars; one submission).

Submission:

GeneDx
Classification: Uncertain significance. Last evaluated: 2024-02-22. Review status: criteria provided, single submitter. Criteria: GeneDx Variant Classification Process June 2021. Collection method: clinical testing. Allele origin: germline. Affected: yes.
Comment: Not observed at significant frequency in large population cohorts (gnomAD); In silico analysis supports that this missense variant has a deleterious effect on protein structure/function; Has not been previously published as pathogenic or benign to our knowledge; This variant is associated with the following publications: (PMID: 31337854)

NM_017934.7(PHIP):c.1157A>T (p.Asp386Val)

Gene: PHIP (pleckstrin homology domain interacting protein; minus strand). Cytogenetic location: 6q14.1.
Variant type: single nucleotide variant.
Coding change: c.1157A>T on transcript NM_017934.7 (MANE Select); coding-DNA position 1157, A replaced by T.
Protein change: p.Asp386Val; replaces aspartic acid 386 with valine.
Molecular consequence: missense variant.
Genome position (GRCh38, 1-based): chr6:79,016,622, T>A on the plus strand (A>T on the coding strand, the complement: PHIP is on the minus strand). VCF-style: chr6-79016622-T-A. GRCh37 (hg19) VCF-style: chr6-79726339-T-A.
Other names: short protein forms D386V.
Identifiers: ClinVar variation 3369491 (VCV003369491.1).